The following is an entry in ClinVar:

NM_001308093.3(GATA4):c.1325C>G (p.Thr442Ser)

Gene: GATA4 (GATA binding protein 4). Cytogenetic location: 8p23.1.
Variant type: single nucleotide variant.
Coding change: c.1325C>G on transcript NM_001308093.3 (MANE Select); coding-DNA position 1325, C replaced by G.
Protein change: p.Thr442Ser; replaces threonine 442 with serine.
Molecular consequence: missense variant.
Genome position (GRCh38, 1-based): chr8:11,758,468, C>G. VCF-style: chr8-11758468-C-G. GRCh37 (hg19) VCF-style: chr8-11615977-C-G.
Other names: c.704C>G, p.Thr235Ser (NM_001308094.2, NM_001374273.1); c.578C>G, p.Thr193Ser (NM_001374274.1); c.1322C>G, p.Thr441Ser (NM_002052.5); short protein forms T442S, T235S, T441S, T193S.
Identifiers: ClinVar variation 4781209 (VCV004781209.1).
Genomic context (GRCh38, chr8:11,758,468, plus strand): 5'-GCTCCAAGCAGGACTCTTGGAACAGCCTGGTCTTGGCCGACAGTCACGGGGACATAATCA[C>G]TGCGTAATCTTCCCTCTTCCCTCCTCAAATTCCTGCACGGACCTGGGACTTGGAGGATAG-3'
Protein context (NP_001295022.1, residues 432-443): VLADSHGDII[Thr442Ser]A

ClinVar aggregate classification (germline): Uncertain significance (1 of 4 stars; one submission).

Conditions:
Atrioventricular septal defect 4 (AVSD4). Identifiers: MedGen C3280781, MONDO:0013747, OMIM 614430.

gnomAD v4.1: 2 of 1,614,200 alleles (0.00012%); highest among the groups gnomAD compares: South Asian, 0.0022%; no homozygotes.

Submission:

Labcorp Genetics (formerly Invitae), Labcorp
Classification: Uncertain significance for Atrioventricular septal defect 4. Last evaluated: 2026-02-01. Review status: criteria provided, single submitter. Criteria: Invitae Variant Classification Sherloc (09022015). Collection method: clinical testing. Allele origin: germline.
Comment: This sequence change replaces threonine, which is neutral and polar, with serine, which is neutral and polar, at codon 441 of the GATA4 protein (p.Thr441Ser). This variant is present in population databases (rs773679619, gnomAD 0.003%). This variant has not been reported in the literature in individuals affected with GATA4-related conditions. Invitae Evidence Modeling of protein sequence and biophysical properties (such as structural, functional, and spatial information, amino acid conservation, physicochemical variation, residue mobility, and thermodynamic stability) has been performed for this missense variant. However, the output from this modeling did not meet the statistical confidence thresholds required to predict the impact of this variant on GATA4 protein function. Algorithms developed to predict the effect of sequence changes on RNA splicing suggest that this variant may create or strengthen a splice site. In summary, the available evidence is currently insufficient to determine the role of this variant in disease. Therefore, it has been classified as a Variant of Uncertain Significance.